The following is an entry in ClinVar:

NM_004415.4(DSP):c.5819A>T (p.Asp1940Val)

Gene: DSP (desmoplakin; plus strand). Cytogenetic location: 6p24.3.
Variant type: single nucleotide variant.
Coding change: c.5819A>T on transcript NM_004415.4 (MANE Select); coding-DNA position 5819, A replaced by T.
Protein change: p.Asp1940Val; replaces aspartic acid 1940 with valine.
Molecular consequence: missense variant.
Genome position (GRCh38, 1-based): chr6:7,583,081, A>T. VCF-style: chr6-7583081-A-T. GRCh37 (hg19) VCF-style: chr6-7583314-A-T.
Other names: c.4022A>T, p.Asp1341Val (NM_001008844.3); c.4490A>T, p.Asp1497Val (NM_001319034.2); short protein forms D1341V, D1497V, D1940V.
Identifiers: ClinVar variation 923078 (VCV000923078.9), dbSNP rs1430290356, ClinGen allele CA362689483.

ClinVar aggregate classification (germline): Conflicting classifications of pathogenicity. Review status: criteria provided, conflicting classifications (1 of 4 stars). 3 submissions from 3 submitters: Uncertain significance (2); Likely benign (1). Last evaluated 2024-11-21.

Conditions:
Arrhythmogenic cardiomyopathy with wooly hair and keratoderma. Also called: PALMOPLANTAR KERATODERMA WITH LEFT VENTRICULAR CARDIOMYOPATHY AND WOOLLY HAIR; Carvajal syndrome; Dilated cardiomyopathy with woolly hair and keratoderma; Arrhythmogenic cardiomyopathy with woolly hair and keratoderma. Identifiers: Orphanet 65282, MedGen C1854063, MONDO:0011581, OMIM 605676.
Arrhythmogenic right ventricular dysplasia 8 (ARVD8). Also called: Arrhythmogenic Right Ventricular Dysplasia/Cardiomyopathy 8; ARRHYTHMOGENIC RIGHT VENTRICULAR DYSPLASIA, FAMILIAL, 8; ARRHYTHMOGENIC RIGHT VENTRICULAR CARDIOMYOPATHY 8. Identifiers: MedGen C1843896, MONDO:0011831, OMIM 607450.
Cardiomyopathy (CMYO). Also called: Cardiomyopathies. Identifiers: Orphanet 167848, MedGen C0878544, MONDO:0004994, HP:0001638. Inheritance: Various modes of inheritance.

Allele frequency attached by ClinVar (database versions not stated): gnomAD exomes below 0.00001.
gnomAD v4.1: 3 of 1,614,120 alleles (0.00019%); highest among the groups gnomAD compares: South Asian, 0.0033%; no homozygotes.

Submissions (3):

Labcorp Genetics (formerly Invitae), Labcorp
Classification: Likely benign for Arrhythmogenic cardiomyopathy with wooly hair and keratoderma; Arrhythmogenic right ventricular dysplasia 8. Last evaluated: 2024-11-21. Review status: criteria provided, single submitter. Criteria: Invitae Variant Classification Sherloc (09022015). Collection method: clinical testing. Allele origin: germline.

All of Us Research Program, National Institutes of Health
Classification: Uncertain significance for Arrhythmogenic cardiomyopathy with wooly hair and keratoderma. Last evaluated: 2024-09-11. Review status: criteria provided, single submitter. Criteria: ACMG Guidelines, 2015. Collection method: clinical testing. Allele origin: germline. Inheritance: Autosomal dominant inheritance. Observed: 2 variant alleles, 2 heterozygotes.
Comment: Variant of Uncertain Significance due to insufficient evidence: This missense variant is located in the central rod domain of the DSP protein that is thought to form a dimeric coiled coil. Computational prediction tools and conservation analyses are inconclusive regarding the impact of this variant on the protein function. Computational splicing tools suggest that this variant may not impact RNA splicing. To our knowledge, functional assays have not been performed for this variant nor has this variant been reported in individuals affected with cardiovascular disorders in the literature. This variant has been identified in 1/245268 chromosomes in the general population by the Genome Aggregation Database (gnomAD). Available evidence is insufficient to determine the role of this variant in disease conclusively.

This study involves interpretation of variants in research participants for the purpose of population health screening. Participant phenotype was not available at the time of variant classification. Additional details can be found in publication PMID: 35346344, PMCID: PMC8962531

Color Diagnostics, LLC DBA Color Health
Classification: Uncertain significance for Cardiomyopathy. Last evaluated: 2023-12-04. Review status: criteria provided, single submitter. Criteria: ACMG Guidelines, 2015. Collection method: clinical testing. Allele origin: germline.
Comment: Variant of Uncertain Significance due to insufficient evidence: This missense variant is located in the central rod domain of the DSP protein that is thought to form a dimeric coiled coil. Computational prediction tools and conservation analyses are inconclusive regarding the impact of this variant on the protein function. Computational splicing tools suggest that this variant may not impact RNA splicing. To our knowledge, functional assays have not been performed for this variant nor has this variant been reported in individuals affected with cardiovascular disorders in the literature. This variant has been identified in 1/245268 chromosomes in the general population by the Genome Aggregation Database (gnomAD). Available evidence is insufficient to determine the role of this variant in disease conclusively.